The following is an entry in ClinVar:

ClinVar aggregate classification (germline): Uncertain significance (1 of 4 stars; one submission).

Submission:

Labcorp Genetics (formerly Invitae), Labcorp
Classification: Uncertain significance. Last evaluated: 2021-09-09. Review status: criteria provided, single submitter. Criteria: Invitae Variant Classification Sherloc (09022015). Collection method: clinical testing. Allele origin: germline.
Comment: In summary, the available evidence is currently insufficient to determine the role of this variant in disease. Therefore, it has been classified as a Variant of Uncertain Significance. This variant has not been reported in the literature in individuals affected with NEDD4L-related conditions. This variant results in the deletion of exon 11 (c.813+603_815delinsGGAGTTCA) of the NEDD4L gene. It is expected to disrupt RNA splicing. Variants that disrupt the donor or acceptor splice site typically lead to a loss of protein function (PMID: 16199547), however the current clinical and genetic evidence is not sufficient to establish whether loss-of-function variants in NEDD4L cause disease.

Literature cited by the submitters: PubMed 16199547.

NC_000018.9:g.(?_55996962)_(55997971_?)del

Gene: NEDD4L (NEDD4 like E3 ubiquitin protein ligase; plus strand). Cytogenetic location: 18q21.31.
Variant type: Deletion.
Identifiers: ClinVar variation 1375796 (VCV001375796.4).